The following is an entry in ClinVar:

ClinVar aggregate classification (germline): Benign. Review status: criteria provided, multiple submitters, no conflicts (2 of 4 stars). 2 submissions from 2 submitters: Benign (2). Last evaluated 2018-01-13.

Conditions:
Klippel-Feil syndrome 1, autosomal dominant (KFS1). Also called: CERVICAL VERTEBRAL FUSION, AUTOSOMAL DOMINANT. Identifiers: Orphanet 2345, MedGen C1861689, MONDO:0007306, OMIM 118100.

Allele frequency attached by ClinVar (database versions not stated): gnomAD 0.06988 and 0.07344; TOPMed 0.07340; gnomAD exomes 0.04502; 1000 Genomes Project 30x 0.04888; 1000 Genomes Project 0.04912.
gnomAD v4.1: 10,705 of 152,694 alleles (7%); highest among the groups gnomAD compares: African/African-American, 11%; 466 homozygotes.

Submissions (2):

Illumina Laboratory Services, Illumina
Classification: Benign for Klippel-Feil syndrome 1, autosomal dominant. Last evaluated: 2018-01-13. Review status: criteria provided, single submitter. Criteria: ICSL Variant Classification Criteria 13 December 2019. Collection method: clinical testing. Allele origin: germline.
Comment: This variant was observed in the ICSL laboratory as part of a predisposition screen in an ostensibly healthy population. It had not been previously curated by ICSL or reported in the Human Gene Mutation Database (HGMD: prior to June 1st, 2018), and was therefore a candidate for classification through an automated scoring system. Utilizing variant allele frequency, disease prevalence and penetrance estimates, and inheritance mode, an automated score was calculated to assess if this variant is too frequent to cause the disease. Based on the score and internal cut-off values, a variant classified as benign is not then subjected to further curation. The score for this variant resulted in a classification of benign for this disease.

Breakthrough Genomics
Classification: Benign. Review status: criteria provided, single submitter. Criteria: ACMG Guidelines, 2015. Collection method: not provided. Allele origin: germline. Inheritance: Autosomal recessive inheritance. Affected: yes.

NM_001001557.4(GDF6):c.*2001A>G

Gene: GDF6 (growth differentiation factor 6; minus strand). Cytogenetic location: 8q22.1.
Variant type: single nucleotide variant.
Coding change: c.*2001A>G on transcript NM_001001557.4 (MANE Select); 2001 bases downstream of the stop codon, A replaced by G.
Molecular consequence: 3 prime UTR variant.
Genome position (GRCh38, 1-based): chr8:96,142,562, T>C on the plus strand (A>G on the coding strand, the complement: GDF6 is on the minus strand). VCF-style: chr8-96142562-T-C. GRCh37 (hg19) VCF-style: chr8-97154790-T-C.
Identifiers: ClinVar variation 364010 (VCV000364010.6), dbSNP rs36028712, ClinGen allele CA10628446.